The following is an entry in ClinVar:

NM_004360.5(CDH1):c.2295+6T>C

Gene: CDH1 (cadherin 1; plus strand). Cytogenetic location: 16q22.1.
Variant type: single nucleotide variant.
Coding change: c.2295+6T>C on transcript NM_004360.5 (MANE Select); 6 bases into the intron after coding-DNA position 2295, T replaced by C.
Molecular consequence: intron variant.
Genome position (GRCh38, 1-based): chr16:68,828,310, T>C. VCF-style: chr16-68828310-T-C. GRCh37 (hg19) VCF-style: chr16-68862213-T-C.
Other names: c.747+6T>C (NM_001317185.2); c.330+6T>C (NM_001317186.2); c.2112+6T>C (NM_001317184.2).
Identifiers: ClinVar variation 959939 (VCV000959939.10), dbSNP rs1961384148, ClinGen allele CA1139664771.

ClinVar aggregate classification (germline): Uncertain significance (1 of 4 stars; one submission).

Conditions:
Hereditary diffuse gastric adenocarcinoma (HDGC). Also called: DIFFUSE GASTRIC AND LOBULAR BREAST CANCER SYNDROME. Identifiers: Orphanet 26106, MedGen C1708349, MONDO:0007648, OMIM 137215.

Submission:

Labcorp Genetics (formerly Invitae), Labcorp
Classification: Uncertain significance for Hereditary diffuse gastric adenocarcinoma. Last evaluated: 2019-07-28. Review status: criteria provided, single submitter. Criteria: Invitae Variant Classification Sherloc (09022015). Collection method: clinical testing. Allele origin: germline.
Comment: In summary, the available evidence is currently insufficient to determine the role of this variant in disease. Therefore, it has been classified as a Variant of Uncertain Significance. Nucleotide substitutions within the consensus splice site are a relatively common cause of aberrant splicing (PMID: 17576681, 9536098). Algorithms developed to predict the effect of sequence changes on RNA splicing suggest that this variant is not likely to affect RNA splicing, but this prediction has not been confirmed by published transcriptional studies. This variant has not been reported in the literature in individuals with CDH1-related conditions. This variant is not present in population databases (ExAC no frequency). This sequence change falls in intron 14 of the CDH1 gene. It does not directly change the encoded amino acid sequence of the CDH1 protein, but it affects a nucleotide within the consensus splice site of the intron.

Literature cited by the submitters: PubMed 17576681; PubMed 9536098.